The following is an entry in ClinVar:

NM_002430.3(MN1):c.3866dup (p.Gly1290_Asp1291insTer)

Gene: MN1 (MN1 proto-oncogene, transcriptional regulator; minus strand). Cytogenetic location: 22q12.1.
Variant type: Duplication.
Coding change: c.3866dup on transcript NM_002430.3 (MANE Select); coding-DNA position 3866, one base duplicated (T; older notation c.3866dupT).
Protein change: p.Gly1290_Asp1291insTer.
Molecular consequence: frameshift variant.
Genome position (GRCh38, 1-based): chr22:27,751,012, A duplicated on the plus strand (T on the coding strand, the reverse complement: MN1 is on the minus strand). VCF-style (leftmost placement, unchanged base first): chr22-27751011-C-CA. GRCh37 (hg19) VCF-style: chr22-28146999-C-CA.
Identifiers: ClinVar variation 4625140 (VCV004625140.1).

ClinVar aggregate classification (germline): Uncertain significance (1 of 4 stars; one submission).

Conditions:
Inborn genetic diseases. Identifiers: MedGen C0950123, MeSH D030342.

Submission:

Ambry Genetics
Classification: Uncertain significance for Inborn genetic diseases. Last evaluated: 2025-12-11. Review status: criteria provided, single submitter. Criteria: Ambry Variant Classification Scheme 2023. Collection method: clinical testing. Allele origin: germline.
Comment: The c.3866dupT (p.D1291*) alteration, located in exon 2 (coding exon 2) of the MN1 gene, consists of a duplication of T at position 3866. This changes the amino acid from an aspartic acid (D) to a stop codon at amino acid position 1291. This alteration occurs at the 3' terminus of the MN1 gene and is not expected to trigger nonsense-mediated mRNA decay. This variant was not reported in population-based cohorts in the Genome Aggregation Database (gnomAD). This variant is located in a region of the protein where truncating variants that escape nonsense mediated mRNA decay have been reported as disease-causing for MN1 C-terminal truncation syndrome (Mak, 2020; Miyake, 2020). Based on insufficient or conflicting evidence, the clinical significance of this alteration remains unclear.

Literature cited by the submitters: PubMed 31834374; PubMed 31839203.